The following is an entry in ClinVar:

NM_000465.4(BARD1):c.1339C>G (p.Leu447Val)

Gene: BARD1 (BRCA1 associated RING domain 1; minus strand). Cytogenetic location: 2q35.
Variant type: single nucleotide variant.
Coding change: c.1339C>G on transcript NM_000465.4 (MANE Select); coding-DNA position 1339, C replaced by G.
Protein change: p.Leu447Val; replaces leucine 447 with valine.
Molecular consequence: missense variant. On other transcripts: non-coding transcript variant (3), intron variant (3).
Genome position (GRCh38, 1-based): chr2:214,769,288, G>C on the plus strand (C>G on the coding strand, the complement: BARD1 is on the minus strand). VCF-style: chr2-214769288-G-C. GRCh37 (hg19) VCF-style: chr2-215634012-G-C.
Other names: p.L447V:CTT>GTT; c.1282C>G, p.Leu428Val (NM_001282543.2); c.159-16733C>G (NM_001282548.2); c.216-16733C>G (NM_001282545.2); c.364+23009C>G (NM_001282549.2); short protein forms L447V, L428V.
Identifiers: ClinVar variation 182046 (VCV000182046.57), dbSNP rs376727038, ClinGen allele CA298464.

ClinVar aggregate classification (germline): Conflicting classifications of pathogenicity. Review status: criteria provided, conflicting classifications (1 of 4 stars). 19 submissions from 19 submitters: Uncertain significance (17); Likely benign (1). 1 of the submissions does not count toward it. Last evaluated 2026-06-03.

Conditions:
BARD1-related cancer predisposition. Identifiers: MedGen CN377756, MONDO:0700267.
BARD1-related disorder. Also called: BARD1-related condition.
Hereditary cancer-predisposing syndrome. Also called: Neoplastic Syndromes, Hereditary; Tumor predisposition; Hereditary neoplastic syndrome; Hereditary Cancer Syndrome. Identifiers: Orphanet 140162, MedGen C0027672, MeSH D009386, MONDO:0015356.
Familial cancer of breast. Also called: Hereditary breast cancer; BREAST CANCER, FAMILIAL; hereditary breast carcinoma. Identifiers: Orphanet 227535, MedGen C0346153, MONDO:0016419, OMIM 114480. Disease mechanism: loss of function.

Allele frequency attached by ClinVar (database versions not stated): ExAC 0.00007; gnomAD exomes 0.00008 and 0.00017; TOPMed 0.00008; ESP Exome Variant Server 0.00015.
gnomAD v4.1: 257 of 1,613,400 alleles (0.016%); highest among the groups gnomAD compares: Non-Finnish European, 0.021%; no homozygotes.

Submissions 1 to 8 of 19:

Ambry Genetics
Classification: Uncertain significance for Hereditary cancer-predisposing syndrome. Last evaluated: 2026-06-03. Review status: criteria provided, single submitter. Criteria: Ambry Variant Classification Scheme 2023. Collection method: clinical testing. Allele origin: germline.

PreventionGenetics, part of Exact Sciences
Classification: Uncertain significance for BARD1-related condition. Last evaluated: 2025-11-04. Review status: criteria provided, single submitter. Criteria: ACMG Guidelines, 2015. Collection method: clinical testing. Allele origin: germline.
Comment: The BARD1 c.1339C>G variant is predicted to result in the amino acid substitution p.Leu447Val. This variant has been reported in individuals with breast cancer (Table S1, Young et al. 2016. PubMed ID: 26787654; Table S4, Weber-Lassalle et al. 2019. PubMed ID: 31036035). This variant has also been reported in a cohort of individuals referred for cancer genetic testing who were previously negative for BRCA1/2 testing (Yadav et al. 2017. PubMed ID: 27878467). However, it has also been documented in control individuals (Table S4, Ramus et al. 2015. PubMed ID: 26315354; Table S4, Weber-Lassalle et al. 2019. PubMed ID: 31036035). This variant is reported in 0.015% of alleles in individuals of European (Non-Finnish) descent in gnomAD and has conflicting interpretations regarding its pathogenicity in ClinVar, ranging from likely benign to uncertain (Variation ID: 182046). At this time, the clinical significance of this variant is uncertain due to the absence of conclusive functional and genetic evidence.

Quest Diagnostics Nichols Institute San Juan Capistrano
Classification: Uncertain significance. Last evaluated: 2025-09-05. Review status: criteria provided, single submitter. Criteria: Quest Diagnostics criteria. Collection method: clinical testing. Allele origin: unknown.
Comment: The BARD1 c.1339C>G (p.Leu447Val) variant has been reported in the published literature in individuals with a personal or family history of breast/ovarian cancer (PMIDs: 35595798 (2022), 31036035 (2019), 33471991 (2021), see also LOVD), male breast cancer (PMID: 39233942 (2024)), and metastatic prostate cancer (PMID: 32923906 (2020)). This variant has also been observed in reportedly unaffected individuals (PMIDs: 26315354 (2015), 33471991 (2021)). The frequency of this variant in the general population (Genome Aggregation Database) is uninformative in the assessment of its pathogenicity. Analysis of this variant using bioinformatics tools for the prediction of the effect of amino acid changes on protein structure and function yielded predictions that this variant is damaging. Based on the available information, we are unable to determine the clinical significance of this variant.

Women's Health and Genetics/Laboratory Corporation of America, LabCorp
Classification: Uncertain significance. Last evaluated: 2025-07-03. Review status: criteria provided, single submitter. Criteria: LabCorp Variant Classification Summary - May 2015. Collection method: clinical testing. Allele origin: germline.
Comment: Variant summary: BARD1 c.1339C>G (p.Leu447Val) results in a conservative amino acid change located in the Ankyrin repeat (IPR002110) containing domain (IPR020683) of the encoded protein sequence. Algorithms developed to predict the effect of missense changes on protein structure and function are either unavailable or do not agree on the potential impact of this missense change. The variant allele was found at a frequency of 7.6e-05 in 251280 control chromosomes, predominantly at a frequency of 0.00015 within the Non-Finnish European subpopulation in the gnomAD database. This frequency is not significantly higher than estimated for a pathogenic variant in BARD1 causing Hereditary Breast And Ovarian Cancer Syndrome (7.6e-05 vs 0.00025), allowing no conclusion about variant significance. c.1339C>G has been observed, primarily reported as a VUS in settings of multigene panel testing, in individuals affected with or suspected of Hereditary Breast And Ovarian Cancer Syndrome and also in unaffected controls (e.g. Ramus_2015, Young_2016, Yadav_2016, Weber-Lassalle_2019, Benito-Sanchez_2022, McGrath_2024, Barati_2024). These report(s) do not provide unequivocal conclusions about association of the variant with Hereditary Breast And Ovarian Cancer Syndrome. At least two co-occurrences with pathogenic variants in other cancer-related genes (MLH1 c.546-1G>A, MUTYH c.1103G>A (p.Gly368Asp)) have been observed (McGrath_2024, internal data). To our knowledge, no experimental evidence demonstrating an impact on protein function has been reported. The following publications have been ascertained in the context of this evaluation (PMID: 39148954, 35595798, 39233942, 26315354, 31371347, 31036035, 27878467, 26787654). ClinVar contains an entry for this variant (Variation ID: 182046). Based on the evidence outlined above, the variant was classified as uncertain significance.

Dasa
Classification: Uncertain significance. Last evaluated: 2025-06-27. Review status: criteria provided, single submitter. Criteria: DASA Assertion Criteria. Collection method: clinical testing. Allele origin: germline.
Comment: NM_000465.4(BARD1):c.1339C>G (p.Leu447Val) is a missense variant that results in the substitution of leucine with valine. This variant is rare in population databases. Computational prediction algorithms are consistent with a deleterious effect. The currently available literature and clinical evidence are not sufficient to establish a definitive association between this variant and the reported condition. Therefore, this variant is classified as a variant of uncertain significance.

Color Diagnostics, LLC DBA Color Health
Classification: Uncertain significance for Hereditary cancer-predisposing syndrome. Last evaluated: 2025-04-15. Review status: criteria provided, single submitter. Criteria: ACMG Guidelines, 2015. Collection method: clinical testing. Allele origin: germline.
Comment: This missense variant replaces leucine with valine at codon 447 of the BARD1 protein. Computational prediction suggests that this variant may have deleterious impact on protein structure and function. To our knowledge, functional studies have not been reported for this variant. This variant has been reported in two individual affected with breast cancer (PMID: 26787654, 31036035), in an individual who fulfilled criteria to be tested for germline pathogenic mutations in BRCA1 and BRCA2 (PMID: 35595798), and in six unaffected individuals (PMID: 26315354, 31036035). In a large breast cancer case-control study, this variant was observed in 18/60466 cases and 9/53461 controls (OR=1.769, 95%CI 0.794 to 3.937, p-value=0.18Leiden Open Variation Database DB-ID BARD1_000256PMID: 33471991). This variant has also been identified in 19/251280 chromosomes in the general population by the Genome Aggregation Database (gnomAD). The available evidence is insufficient to determine the role of this variant in disease conclusively. Therefore, this variant is classified as a Variant of Uncertain Significance.

Center for Genomic Medicine, Rigshospitalet, Copenhagen University Hospital
Classification: Uncertain significance. Last evaluated: 2025-03-04. Review status: criteria provided, single submitter. Criteria: ACMG Guidelines, 2015. Collection method: clinical testing. Allele origin: germline.

Labcorp Genetics (formerly Invitae), Labcorp
Classification: Uncertain significance for Familial cancer of breast. Last evaluated: 2025-02-02. Review status: criteria provided, single submitter. Criteria: Invitae Variant Classification Sherloc (09022015). Collection method: clinical testing. Allele origin: germline.
Comment: This sequence change replaces leucine, which is neutral and non-polar, with valine, which is neutral and non-polar, at codon 447 of the BARD1 protein (p.Leu447Val). This variant is present in population databases (rs376727038, gnomAD 0.02%). This missense change has been observed in individual(s) with breast cancer (PMID: 26315354, 27878467, 31036035). ClinVar contains an entry for this variant (Variation ID: 182046). An algorithm developed to predict the effect of missense changes on protein structure and function (PolyPhen-2) suggests that this variant is likely to be disruptive. In summary, the available evidence is currently insufficient to determine the role of this variant in disease. Therefore, it has been classified as a Variant of Uncertain Significance.